The following is an entry in ClinVar:

ClinVar aggregate classification (germline): Uncertain significance (1 of 4 stars; one submission).

Submission:

Labcorp Genetics (formerly Invitae), Labcorp
Classification: Uncertain significance. Last evaluated: 2022-04-30. Review status: criteria provided, single submitter. Criteria: Invitae Variant Classification Sherloc (09022015). Collection method: clinical testing. Allele origin: germline.
Comment: This variant is not present in population databases (gnomAD no frequency). This sequence change replaces glutamine, which is neutral and polar, with arginine, which is basic and polar, at codon 235 of the RP1 protein (p.Gln235Arg). This variant has not been reported in the literature in individuals affected with RP1-related conditions. Algorithms developed to predict the effect of missense changes on protein structure and function (SIFT, PolyPhen-2, Align-GVGD) all suggest that this variant is likely to be tolerated. In summary, the available evidence is currently insufficient to determine the role of this variant in disease. Therefore, it has been classified as a Variant of Uncertain Significance.

NM_006269.2(RP1):c.704A>G (p.Gln235Arg)

Gene: RP1 (RP1 axonemal microtubule associated; plus strand). Cytogenetic location: 8q12.1.
Variant type: single nucleotide variant.
Coding change: c.704A>G on transcript NM_006269.2 (MANE Select); coding-DNA position 704, A replaced by G.
Protein change: p.Gln235Arg; replaces glutamine 235 with arginine.
Molecular consequence: missense variant.
Genome position (GRCh38, 1-based): chr8:54,622,205, A>G. VCF-style: chr8-54622205-A-G. GRCh37 (hg19) VCF-style: chr8-55534765-A-G.
Other names: c.704A>G, p.Gln235Arg (NM_001375654.1); short protein forms Q235R.
Identifiers: ClinVar variation 2132388 (VCV002132388.4), dbSNP rs2536560453, ClinGen allele CA370988067.